The following is an entry in ClinVar:

NM_001042492.3(NF1):c.3056T>C (p.Val1019Ala)

Gene: NF1 (neurofibromin 1; plus strand). Cytogenetic location: 17q11.2.
Variant type: single nucleotide variant.
Coding change: c.3056T>C on transcript NM_001042492.3 (MANE Select); coding-DNA position 3056, T replaced by C.
Protein change: p.Val1019Ala; replaces valine 1019 with alanine.
Molecular consequence: missense variant.
Genome position (GRCh38, 1-based): chr17:31,230,325, T>C. VCF-style: chr17-31230325-T-C. GRCh37 (hg19) VCF-style: chr17-29557343-T-C.
Other names: c.3056T>C, p.Val1019Ala (NM_000267.4); short protein forms V1019A.
Identifiers: ClinVar variation 457619 (VCV000457619.5), dbSNP rs1555614520, ClinGen allele CA398987404.

ClinVar aggregate classification (germline): Uncertain significance (1 of 4 stars; one submission).

Conditions:
Neurofibromatosis, type 1 (NF1). Also called: VON RECKLINGHAUSEN DISEASE; NEUROFIBROMATOSIS, TYPE I, SOMATIC; Peripheral type neurofibromatosis; Neurofibromatosis, type I. Identifiers: Orphanet 636, MedGen C0027831, MONDO:0018975, OMIM 162200. Disease mechanism: loss of function.

Submission:

Labcorp Genetics (formerly Invitae), Labcorp
Classification: Uncertain significance for Neurofibromatosis, type 1. Last evaluated: 2017-05-16. Review status: criteria provided, single submitter. Criteria: Invitae Variant Classification Sherloc (09022015). Collection method: clinical testing. Allele origin: germline.
Comment: This sequence change replaces valine with alanine at codon 1019 of the NF1 protein (p.Val1019Ala). The valine residue is moderately conserved and there is a small physicochemical difference between valine and alanine. In summary, this variant has uncertain impact on NF1 function. The available evidence is currently insufficient to determine its role in disease. Therefore, it has been classified as a Variant of Uncertain Significance. Algorithms developed to predict the effect of missense changes on protein structure and function do not agree on the potential impact of this missense change (SIFT: "Tolerated"; PolyPhen-2: "Probably Damaging"; Align-GVGD: "Class C0"). This variant has not been reported in the literature in individuals with an NF1-related disease. This variant is not present in population databases (ExAC no frequency).